The following is an entry in ClinVar:

ClinVar aggregate classification (germline): Uncertain significance (1 of 4 stars; one submission).

Submission:

Labcorp Genetics (formerly Invitae), Labcorp
Classification: Uncertain significance. Last evaluated: 2025-10-27. Review status: criteria provided, single submitter. Criteria: Invitae Variant Classification Sherloc (09022015). Collection method: clinical testing. Allele origin: germline.
Comment: This variant, c.2666_2686dup, results in the insertion of 7 amino acid(s) of the SYNPO protein (p.Arg889_Leu895dup), but otherwise preserves the integrity of the reading frame. This variant is present in population databases (rs768419688, gnomAD 0.1%), and has an allele count higher than expected for a pathogenic variant. This variant has not been reported in the literature in individuals affected with SYNPO-related conditions. ClinVar contains an entry for this variant (Variation ID: 2048884). Experimental studies and prediction algorithms are not available or were not evaluated, and the functional significance of this variant is currently unknown. In summary, the available evidence is currently insufficient to determine the role of this variant in disease. Therefore, it has been classified as a Variant of Uncertain Significance.

NM_007286.6(SYNPO):c.2666_2686dup (p.Leu895_Pro896insArgLeuLysArgGlySerLeu)

Gene: SYNPO (synaptopodin; plus strand). Cytogenetic location: 5q33.1.
Variant type: Duplication.
Coding change: c.2666_2686dup on transcript NM_007286.6 (MANE Select); coding-DNA positions 2666 to 2686, 21 bases duplicated (GGCTCAAGCGTGGCAGCCTCC).
Protein change: p.Leu895_Pro896insArgLeuLysArgGlySerLeu.
Molecular consequence: inframe insertion.
Genome position (GRCh38, 1-based): chr5:150,657,041-150,657,061, GGCTCAAGCGTGGCAGCCTCC duplicated; duplicating any 21 consecutive bases within chr5:150,657,040-150,657,061 gives the same sequence; the c. name uses the placement nearest the transcript's 3' end. VCF-style (leftmost placement, unchanged base first): chr5-150657039-T-TCGGCTCAAGCGTGGCAGCCTC. GRCh37 (hg19) VCF-style: chr5-150036601-T-TCGGCTCAAGCGTGGCAGCCTC.
Identifiers: ClinVar variation 2048884 (VCV002048884.4), dbSNP rs768419688, ClinGen allele CA3513651.